The following is an entry in ClinVar:

ClinVar aggregate classification (germline): Uncertain significance. Review status: criteria provided, multiple submitters, no conflicts (2 of 4 stars). 5 submissions from 5 submitters: Uncertain significance (5). Last evaluated 2025-11-17.

Conditions:
Breast-ovarian cancer, familial, susceptibility to, 1 (BROVCA1). Also called: BRCA1 Hereditary Breast and Ovarian Cancer; OVARIAN CANCER, SUSCEPTIBILITY TO. Identifiers: Orphanet 145, MedGen C2676676, MONDO:0011450, OMIM 604370. Disease mechanism: loss of function.
Hereditary nonpolyposis colorectal neoplasms. Identifiers: MedGen C0009405, MeSH D003123.
Hereditary cancer-predisposing syndrome. Also called: Neoplastic Syndromes, Hereditary; Hereditary neoplastic syndrome; Hereditary Cancer Syndrome; Tumor predisposition. Identifiers: Orphanet 140162, MedGen C0027672, MeSH D009386, MONDO:0015356.
Lynch syndrome 5 (LYNCH5). Also called: Colorectal cancer, hereditary nonpolyposis, type 5; Hereditary non-polyposis colorectal cancer, type 5. Identifiers: Orphanet 144, MedGen C1833477, MONDO:0013710, OMIM 614350. Disease mechanism: loss of function.

Submissions (5):

Labcorp Genetics (formerly Invitae), Labcorp
Classification: Uncertain significance for Hereditary nonpolyposis colorectal neoplasms. Last evaluated: 2025-11-17. Review status: criteria provided, single submitter. Criteria: Invitae Variant Classification Sherloc (09022015). Collection method: clinical testing. Allele origin: germline.
Comment: This sequence change replaces glycine, which is neutral and non-polar, with valine, which is neutral and non-polar, at codon 1105 of the MSH6 protein (p.Gly1105Val). This variant is not present in population databases (gnomAD no frequency). This missense change has been observed in individual(s) with breast cancer (PMID: 35534704). ClinVar contains an entry for this variant (Variation ID: 410456). Invitae Evidence Modeling of protein sequence and biophysical properties (such as structural, functional, and spatial information, amino acid conservation, physicochemical variation, residue mobility, and thermodynamic stability) indicates that this missense variant is not expected to disrupt MSH6 protein function with a negative predictive value of 95%. In summary, the available evidence is currently insufficient to determine the role of this variant in disease. Therefore, it has been classified as a Variant of Uncertain Significance.

Ambry Genetics
Classification: Uncertain significance for Hereditary cancer-predisposing syndrome. Last evaluated: 2025-08-07. Review status: criteria provided, single submitter. Criteria: Ambry Variant Classification Scheme 2023. Collection method: clinical testing. Allele origin: germline.
Comment: The p.G1105V variant (also known as c.3314G>T), located in coding exon 5 of the MSH6 gene, results from a G to T substitution at nucleotide position 3314. The glycine at codon 1105 is replaced by valine, an amino acid with dissimilar properties. This amino acid position is conserved. In addition, this alteration is predicted to be deleterious by in silico analysis. Based on the available evidence, the clinical significance of this variant remains unclear.

Color Diagnostics, LLC DBA Color Health
Classification: Uncertain significance for Hereditary cancer-predisposing syndrome. Last evaluated: 2025-04-27. Review status: criteria provided, single submitter. Criteria: ACMG Guidelines, 2015. Collection method: clinical testing. Allele origin: germline.
Comment: This missense variant replaces glycine with valine at codon 1105 of the MSH6 protein. Computational prediction suggests that this variant may have deleterious impact on protein structure and function. To our knowledge, functional studies have not been reported for this variant. This variant has not been reported in individuals affected with MSH6-related disorders in the literature. This variant has not been identified in the general population by the Genome Aggregation Database (gnomAD). The available evidence is insufficient to determine the role of this variant in disease conclusively. Therefore, this variant is classified as a Variant of Uncertain Significance.

Institute of Immunology and Genetics Kaiserslautern
Classification: Uncertain significance for Breast-ovarian cancer, familial, susceptibility to, 1. Last evaluated: 2024-07-31. Review status: criteria provided, single submitter. Criteria: ACMG Guidelines, 2015. Collection method: clinical testing. Allele origin: germline. Affected: yes.
Comment: ACMG Criteria: PM2_p, PP3_m; Variant was found in heterozygous state

Mendelics
Classification: Uncertain significance for Lynch syndrome 5. Last evaluated: 2019-05-28. Review status: criteria provided, single submitter. Criteria: Mendelics Assertion Criteria 2017. Collection method: clinical testing. Allele origin: unknown.

Literature cited by the submitters: PubMed 35534704 (cited by Labcorp Genetics (formerly Invitae), Labcorp).

NM_000179.3(MSH6):c.3314G>T (p.Gly1105Val)

Gene: MSH6 (mutS homolog 6; plus strand). Cytogenetic location: 2p16.3.
Variant type: single nucleotide variant.
Coding change: c.3314G>T on transcript NM_000179.3 (MANE Select); coding-DNA position 3314, G replaced by T.
Protein change: p.Gly1105Val; replaces glycine 1105 with valine.
Molecular consequence: missense variant.
Genome position (GRCh38, 1-based): chr2:47,803,561, G>T. VCF-style: chr2-47803561-G-T. GRCh37 (hg19) VCF-style: chr2-48030700-G-T.
Other names: c.2924G>T, p.Gly975Val (NM_001281492.2); c.2408G>T, p.Gly803Val (NM_001281493.2, NM_001281494.2); short protein forms G1105V, G803V, G975V.
Identifiers: ClinVar variation 410456 (VCV000410456.53), dbSNP rs1060502910, ClinGen allele CA16610936.